The following is an entry in ClinVar:

NM_015102.5(NPHP4):c.2419C>A (p.Arg807Ser)

Gene: NPHP4 (nephrocystin 4; minus strand). Cytogenetic location: 1p36.31.
Variant type: single nucleotide variant.
Coding change: c.2419C>A on transcript NM_015102.5 (MANE Select); coding-DNA position 2419, C replaced by A.
Protein change: p.Arg807Ser; replaces arginine 807 with serine.
Molecular consequence: missense variant. On other transcripts: non-coding transcript variant (1).
Genome position (GRCh38, 1-based): chr1:5,887,352, G>T on the plus strand (C>A on the coding strand, the complement: NPHP4 is on the minus strand). VCF-style: chr1-5887352-G-T. GRCh37 (hg19) VCF-style: chr1-5947412-G-T.
Other names: c.880C>A, p.Arg294Ser (NM_001291593.2); c.883C>A, p.Arg295Ser (NM_001291594.2); short protein forms R294S, R295S, R807S.
Identifiers: ClinVar variation 955881 (VCV000955881.9), dbSNP rs770004315, ClinGen allele CA338058643.

ClinVar aggregate classification (germline): Uncertain significance (1 of 4 stars; one submission).

Conditions:
Nephronophthisis. Also called: Juvenile Nephronophthisis. Identifiers: Orphanet 655, MedGen C0687120, MONDO:0019005, HP:0000090.

gnomAD v4.1: 6 of 1,613,468 alleles (0.00037%); highest among the groups gnomAD compares: Admixed American, 0.01%; no homozygotes.

Submission:

Labcorp Genetics (formerly Invitae), Labcorp
Classification: Uncertain significance for Nephronophthisis. Last evaluated: 2024-12-02. Review status: criteria provided, single submitter. Criteria: Invitae Variant Classification Sherloc (09022015). Collection method: clinical testing. Allele origin: germline.
Comment: This sequence change replaces arginine, which is basic and polar, with serine, which is neutral and polar, at codon 807 of the NPHP4 protein (p.Arg807Ser). This variant is present in population databases (no rsID available, gnomAD 0.01%). This variant has not been reported in the literature in individuals affected with NPHP4-related conditions. ClinVar contains an entry for this variant (Variation ID: 955881). Invitae Evidence Modeling of protein sequence and biophysical properties (such as structural, functional, and spatial information, amino acid conservation, physicochemical variation, residue mobility, and thermodynamic stability) indicates that this missense variant is not expected to disrupt NPHP4 protein function with a negative predictive value of 80%. In summary, the available evidence is currently insufficient to determine the role of this variant in disease. Therefore, it has been classified as a Variant of Uncertain Significance.